The following is an entry in ClinVar:

ClinVar aggregate classification (germline): Uncertain significance (1 of 4 stars; one submission).

gnomAD v4.1: 7 of 1,612,014 alleles (0.00043%); highest among the groups gnomAD compares: Non-Finnish European, 0.00059%; no homozygotes.

Submission:

Women's Health and Genetics/Laboratory Corporation of America, LabCorp
Classification: Uncertain significance. Last evaluated: 2025-03-31. Review status: criteria provided, single submitter. Criteria: LabCorp Variant Classification Summary - May 2015. Collection method: clinical testing. Allele origin: germline.
Comment: Variant summary: CDH15 c.2287T>C (p.Tyr763His) results in a conservative amino acid change in the encoded protein sequence. Four of five in-silico tools predict a damaging effect of the variant on protein function. The variant allele was found at a frequency of 1.2e-05 in 246494 control chromosomes. The available data on variant occurrences in the general population are insufficient to allow any conclusion about variant significance. To our knowledge, no occurrence of c.2287T>C in individuals affected with Intellectual Disability, Autosomal Dominant 3 and no experimental evidence demonstrating its impact on protein function have been reported. No submitters have cited clinical-significance assessments for this variant to ClinVar. Based on the evidence outlined above, the variant was classified as uncertain significance.

NM_004933.3(CDH15):c.2287T>C (p.Tyr763His)

Gene: CDH15 (cadherin 15; plus strand). Cytogenetic location: 16q24.3.
Variant type: single nucleotide variant.
Coding change: c.2287T>C on transcript NM_004933.3 (MANE Select); coding-DNA position 2287, T replaced by C.
Protein change: p.Tyr763His; replaces tyrosine 763 with histidine.
Molecular consequence: missense variant.
Genome position (GRCh38, 1-based): chr16:89,194,997, T>C. VCF-style: chr16-89194997-T-C. GRCh37 (hg19) VCF-style: chr16-89261405-T-C.
Other names: short protein forms Y763H.
Identifiers: ClinVar variation 3895966 (VCV003895966.1).